The following is an entry in ClinVar:

NM_001005242.3(PKP2):c.1556+7C>T

Gene: PKP2 (plakophilin 2; minus strand). Cytogenetic location: 12p11.21.
Variant type: single nucleotide variant.
Coding change: c.1556+7C>T on transcript NM_001005242.3 (MANE Select); 7 bases into the intron after coding-DNA position 1556, C replaced by T.
Molecular consequence: intron variant.
Genome position (GRCh38, 1-based): chr12:32,841,021, G>A on the plus strand (C>T on the coding strand, the complement: PKP2 is on the minus strand). VCF-style: chr12-32841021-G-A. GRCh37 (hg19) VCF-style: chr12-32993955-G-A.
Other names: c.1688+7C>T (NM_004572.4).
Identifiers: ClinVar variation 381333 (VCV000381333.10), dbSNP rs752585335, ClinGen allele CA030192.

ClinVar aggregate classification (germline): Likely benign. Review status: criteria provided, multiple submitters, no conflicts (2 of 4 stars). 2 submissions from 2 submitters: Likely benign (2). Last evaluated 2024-11-24.

Conditions:
Arrhythmogenic right ventricular dysplasia 9 (ARVD9). Also called: Arrhythmogenic Right Ventricular Dysplasia/Cardiomyopathy 9; ARRHYTHMOGENIC RIGHT VENTRICULAR DYSPLASIA, FAMILIAL, 9. Identifiers: MedGen C1836906, MONDO:0012180, OMIM 609040.

Allele frequency attached by ClinVar (database versions not stated): gnomAD exomes below 0.00001 and 0.00002; TOPMed 0.00001; ExAC 0.00002.
gnomAD v4.1: 6 of 1,609,654 alleles (0.00037%); highest among the groups gnomAD compares: Admixed American, 0.0083%; no homozygotes.

Submissions (2):

Labcorp Genetics (formerly Invitae), Labcorp
Classification: Likely benign for Arrhythmogenic right ventricular dysplasia 9. Last evaluated: 2024-11-24. Review status: criteria provided, single submitter. Criteria: Invitae Variant Classification Sherloc (09022015). Collection method: clinical testing. Allele origin: germline.

GeneDx
Classification: Likely benign. Last evaluated: 2015-11-05. Review status: criteria provided, single submitter. Criteria: GeneDx Variant Classification (06012015). Collection method: clinical testing. Allele origin: germline. Affected: yes.
Comment: This variant is considered likely benign or benign based on one or more of the following criteria: it is a conservative change, it occurs at a poorly conserved position in the protein, it is predicted to be benign by multiple in silico algorithms, and/or has population frequency not consistent with disease.